The following is an entry in ClinVar:

ClinVar aggregate classification (germline): Pathogenic (1 of 4 stars; one submission).

Conditions:
Cardiovascular phenotype. Identifiers: MedGen CN230736.
Hereditary cancer-predisposing syndrome. Also called: Neoplastic Syndromes, Hereditary; Tumor predisposition; Hereditary Cancer Syndrome; Hereditary neoplastic syndrome. Identifiers: Orphanet 140162, MedGen C0027672, MeSH D009386, MONDO:0015356.

Allele frequency attached by ClinVar (database versions not stated): gnomAD exomes below 0.00001.
gnomAD v4.1: 5 of 1,608,272 alleles (0.00031%); highest among the groups gnomAD compares: Non-Finnish European, 0.00043%; no homozygotes.

Submission:

Ambry Genetics
Classification: Pathogenic for Cardiovascular phenotype; Hereditary cancer-predisposing syndrome. Last evaluated: 2025-04-13. Review status: criteria provided, single submitter. Criteria: Ambry Variant Classification Scheme 2023. Collection method: clinical testing. Allele origin: germline.
Comment: The p.W215* pathogenic mutation (also known as c.645G>A), located in coding exon 7 of the LZTR1 gene, results from a G to A substitution at nucleotide position 645. This changes the amino acid from a tryptophan to a stop codon within coding exon 7. This alteration is expected to result in loss of function by premature protein truncation or nonsense-mediated mRNA decay. Loss-of-function variants in LZTR1 are related to an increased risk for schwannomas and autosomal recessive Noonan syndrome; however, such associations with autosomal dominant Noonan syndrome have not been observed (Piotrowski A et al. Nat Genet. 2014 Feb;46:182-7; Yamamoto GL et al. J Med Genet. 2015 Jun;52:413-21; Johnston JJ et al. Genet Med. 2018 10;20:1175-1185). Based on the supporting evidence, this variant is pathogenic for an increased risk of LZTR1-related schwannomatosis (SWN) and would be expected to cause autosomal recessive Noonan syndrome when present along with a second pathogenic or likely pathogenic variant on the other allele; however, the association of this alteration with autosomal dominant Noonan syndrome is unlikely.

NM_006767.4(LZTR1):c.645G>A (p.Trp215Ter)

Gene: LZTR1 (leucine zipper like post translational regulator 1; plus strand). Cytogenetic location: 22q11.21.
Variant type: single nucleotide variant.
Coding change: c.645G>A on transcript NM_006767.4 (MANE Select); coding-DNA position 645, G replaced by A.
Protein change: p.Trp215Ter; replaces tryptophan 215 with a stop codon.
Molecular consequence: nonsense.
Genome position (GRCh38, 1-based): chr22:20,989,676, G>A. VCF-style: chr22-20989676-G-A. GRCh37 (hg19) VCF-style: chr22-21343965-G-A.
Other names: short protein forms W215*.
Identifiers: ClinVar variation 1753645 (VCV001753645.3), dbSNP rs2518614965, ClinGen allele CA410780380.